The following is an entry in ClinVar:

NM_018344.6(SLC29A3):c.1350_1354del (p.Val451fs)

Gene: SLC29A3 (solute carrier family 29 member 3; plus strand). Cytogenetic location: 10q22.1.
Variant type: Deletion.
Coding change: c.1350_1354del on transcript NM_018344.6 (MANE Select); coding-DNA positions 1350 to 1354, 5 bases deleted (AGTGG; older notation c.1350_1354delAGTGG).
Protein change: p.Val451fs; shifts the reading frame from valine 451.
Molecular consequence: frameshift variant. On other transcripts: 3 prime UTR variant (1), non-coding transcript variant (2).
Genome position (GRCh38, 1-based): chr10:71,362,530-71,362,534, AGTGG deleted; deleting any 5 consecutive bases within chr10:71,362,528-71,362,534 gives the same sequence; the c. name uses the placement nearest the transcript's 3' end. VCF-style (leftmost placement, unchanged base first): chr10-71362527-GGGAGT-G. GRCh37 (hg19) VCF-style: chr10-73122284-GGGAGT-G.
Other names: c.1350_1354delAGTGG (NM_018344.5); c.*579_*583del (NM_001174098.2); c.1116_1120del, p.Val373fs (NM_001363518.2); short protein forms V373fs, V451fs.
Identifiers: ClinVar variation 3013691 (VCV003013691.4), dbSNP rs1847094674, ClinGen allele CA1918678553.
Genomic context (GRCh38, chr10:71,362,527, plus strand): 5'-CAGCACCCTGGCCCTCCTCTACGGGCCTAAGATTGTGCCCAGGGAGCTGGCTGAGGCCAC[GGGAGT>G]GGTGATGTCCTTTTATGTGTGCTTGGGCTTAACACTGGGCTCAGCCTGCTCTACCCTCCT-3'

ClinVar aggregate classification (germline): Conflicting classifications of pathogenicity. Review status: criteria provided, conflicting classifications (1 of 4 stars). 3 submissions from 3 submitters: Likely pathogenic (1); Uncertain significance (2). Last evaluated 2025-01-23.

Conditions:
H syndrome. Also called: HISTIOCYTOSIS AND LYMPHADENOPATHY WITH OR WITHOUT CUTANEOUS, CARDIAC, AND/OR ENDOCRINE FEATURES, JOINT CONTRACTURES, AND/OR DEAFNESS; HYPERPIGMENTATION, CUTANEOUS, WITH HYPERTRICHOSIS, HEPATOSPLENOMEGALY, HEART ANOMALIES, AND HYPOGONADISM WITH OR WITHOUT HEARING LOSS; PIGMENTED HYPERTRICHOSIS WITH INSULIN-DEPENDENT DIABETES MELLITUS; ROSAI-DORFMAN DISEASE, FAMILIAL; SINUS HISTIOCYTOSIS AND MASSIVE LYMPHADENOPATHY; Hyperpigmentation, Cutaneous, with Hypertrichosis, Hepatosplenomegaly, Heart Anomalies, Hearing Loss, and Hypogonadism. Identifiers: Orphanet 168569, MedGen C1864445, MONDO:0011273, OMIM 602782.

Submissions (3):

Labcorp Genetics (formerly Invitae), Labcorp
Classification: Uncertain significance for H syndrome. Last evaluated: 2025-01-23. Review status: criteria provided, single submitter. Criteria: Invitae Variant Classification Sherloc (09022015). Collection method: clinical testing. Allele origin: germline.
Comment: This sequence change results in a frameshift in the SLC29A3 gene (p.Val451Aspfs*103). While this is not anticipated to result in nonsense mediated decay, it is expected to disrupt the last 25 amino acid(s) of the SLC29A3 protein and extend the protein by 77 additional amino acid residues. This variant is not present in population databases (gnomAD no frequency). This frameshift has been observed in individual(s) with clinical features of SLC29A3-related conditions (internal data). ClinVar contains an entry for this variant (Variation ID: 3013691). This variant disrupts the C-terminus of the SLC29A3 protein. Other variant(s) that disrupt this region (p.Ser465*) have been observed in individuals with SLC29A3-related conditions (PMID: 32151906). This suggests that this may be a clinically significant region of the protein. In summary, the available evidence is currently insufficient to determine the role of this variant in disease. Therefore, it has been classified as a Variant of Uncertain Significance.

Victorian Clinical Genetics Services, Murdoch Childrens Research Institute
Classification: Likely pathogenic for H syndrome. Last evaluated: 2023-12-21. Review status: criteria provided, single submitter. Criteria: ACMG Guidelines, 2015. Collection method: clinical testing. Allele origin: germline. Inheritance: Autosomal recessive inheritance. Affected: yes.
Comment: Based on the classification scheme VCGS_Germline_v1.3.4, this variant is classified as Likely pathogenic. Following criteria are met: 0102 - Loss of function is a known mechanism of disease in this gene and is associated with histiocytosis-lymphadenopathy plus syndrome (MIM#602782). (I) 0106 - This gene is associated with autosomal recessive disease. (I) 0115 - Variants in this gene are known to have variable expressivity. Intrafamilial phenotypic variability has been reported (PMIDs: 20619369, 34657628). (I) 0208 - Variant is predicted to result in an elongated protein. (SP) 0251 - This variant is heterozygous. (I) 0301 - Variant is absent from gnomAD (both v2 and v3). (SP) 0600 - Variant is expected to disrupt the annotated nucleoside transporter domain (DECIPHER). (I) 0705 - No comparable protein elongating variants have previous evidence for pathogenicity. No premature termination variants located downstream of Val451 with previous evidence for pathogenicity. p.(Tyr456*) has been reported as a VUS (ClinVar). (I) 0807 - This variant has no previous evidence of pathogenicity. (I) 0905 - No published segregation evidence has been identified for this variant. (I) 1007 - No published functional evidence has been identified for this variant. (I) 1102 - Strong phenotype match for this individual. (SP) 1201 - Heterozygous variant detected in trans with a second pathogenic heterozygous variant (c.1279G>A; p.(Gly427Ser)) in a recessive disease. (SP) 1208 - Inheritance information for this variant is not currently available in this individual. (I) Legend: (SP) - Supporting pathogenic, (I) - Information, (SB) - Supporting benign

Blueprint Genetics
Classification: Uncertain significance. Last evaluated: 2018-11-30. Review status: criteria provided, single submitter. Criteria: ACMG Guidelines, 2015. Collection method: clinical testing. Allele origin: germline.

Literature cited by the submitters: PubMed 32151906 (cited by Labcorp Genetics (formerly Invitae), Labcorp); PubMed 20619369 (cited by Victorian Clinical Genetics Services, Murdoch Childrens Research Institute); PubMed 34657628 (cited by Victorian Clinical Genetics Services, Murdoch Childrens Research Institute).